The following is an entry in ClinVar:

NM_031885.5(BBS2):c.1816G>T (p.Val606Leu)

Gene: BBS2 (Bardet-Biedl syndrome 2; minus strand). Cytogenetic location: 16q13.
Variant type: single nucleotide variant.
Coding change: c.1816G>T on transcript NM_031885.5 (MANE Select); coding-DNA position 1816, G replaced by T.
Protein change: p.Val606Leu; replaces valine 606 with leucine.
Molecular consequence: missense variant. On other transcripts: non-coding transcript variant (5).
Genome position (GRCh38, 1-based): chr16:56,497,061, C>A on the plus strand (G>T on the coding strand, the complement: BBS2 is on the minus strand). VCF-style: chr16-56497061-C-A. GRCh37 (hg19) VCF-style: chr16-56530973-C-A.
Other names: c.1816G>T, p.Val606Leu (NM_001377456.1); short protein forms V606L.
Identifiers: ClinVar variation 1058420 (VCV001058420.4), dbSNP rs930659537, ClinGen allele CA395975651.

ClinVar aggregate classification (germline): Uncertain significance. Review status: criteria provided, single submitter (1 of 4 stars). 2 submissions from 2 submitters: Uncertain significance (1). 1 of the submissions does not count toward it. Last evaluated 2025-05-29.

Conditions:
Bardet-Biedl syndrome (BBS). Identifiers: Orphanet 110, MedGen C0752166, MONDO:0015229.
Bardet-Biedl syndrome 2 (BBS2). Identifiers: Orphanet 110, MedGen C2936863, MONDO:0014432, OMIM 615981.

gnomAD v4.1: 7 of 1,613,166 alleles (0.00043%); highest among the groups gnomAD compares: Non-Finnish European, 0.00059%; no homozygotes.

Submissions (2):

Labcorp Genetics (formerly Invitae), Labcorp
Classification: Uncertain significance for Bardet-Biedl syndrome. Last evaluated: 2025-05-29. Review status: criteria provided, single submitter. Criteria: Invitae Variant Classification Sherloc (09022015). Collection method: clinical testing. Allele origin: germline.
Comment: This sequence change replaces valine, which is neutral and non-polar, with leucine, which is neutral and non-polar, at codon 606 of the BBS2 protein (p.Val606Leu). This variant is not present in population databases (gnomAD no frequency). This variant has not been reported in the literature in individuals affected with BBS2-related conditions. ClinVar contains an entry for this variant (Variation ID: 1058420). Invitae Evidence Modeling of protein sequence and biophysical properties (such as structural, functional, and spatial information, amino acid conservation, physicochemical variation, residue mobility, and thermodynamic stability) indicates that this missense variant is not expected to disrupt BBS2 protein function with a negative predictive value of 80%. In summary, the available evidence is currently insufficient to determine the role of this variant in disease. Therefore, it has been classified as a Variant of Uncertain Significance.

Natera, Inc.
Classification: Uncertain significance for Bardet-Biedl syndrome type 2. Last evaluated: 2020-12-08. Review status: no assertion criteria provided. Collection method: clinical testing. Allele origin: germline. Not counted in ClinVar's aggregate classification.